The following is an entry in ClinVar:

NM_000293.3(PHKB):c.2830C>T (p.Arg944Ter)

Gene: PHKB (phosphorylase kinase regulatory subunit beta; plus strand). Cytogenetic location: 16q12.1.
Variant type: single nucleotide variant.
Coding change: c.2830C>T on transcript NM_000293.3 (MANE Select); coding-DNA position 2830, C replaced by T.
Protein change: p.Arg944Ter; replaces arginine 944 with a stop codon.
Molecular consequence: nonsense.
Genome position (GRCh38, 1-based): chr16:47,693,442, C>T. VCF-style: chr16-47693442-C-T. GRCh37 (hg19) VCF-style: chr16-47727353-C-T.
Other names: c.2809C>T, p.Arg937Ter (NM_001031835.3); c.2830C>T, p.Arg944Ter (NM_001363837.1); short protein forms R937*, R944*.
Identifiers: ClinVar variation 3606790 (VCV003606790.3).

ClinVar aggregate classification (germline): Pathogenic/Likely pathogenic. Review status: criteria provided, multiple submitters, no conflicts (2 of 4 stars). 2 submissions from 2 submitters: Pathogenic (1); Likely pathogenic (1). Last evaluated 2025-05-22.

Conditions:
PHKB-related disorder. Also called: PHKB-related condition.
Glycogen storage disease IXb (GSD9B). Also called: GLYCOGENOSIS OF LIVER AND MUSCLE, AUTOSOMAL RECESSIVE; GSD IXb; PHOSPHORYLASE KINASE DEFICIENCY OF LIVER AND MUSCLE, AUTOSOMAL RECESSIVE. Identifiers: Orphanet 79240, MedGen C0543514, MONDO:0009868, OMIM 261750.

gnomAD v4.1: 6 of 1,613,914 alleles (0.00037%); highest among the groups gnomAD compares: Non-Finnish European, 0.00051%; no homozygotes.

Submissions (2):

Labcorp Genetics (formerly Invitae), Labcorp
Classification: Pathogenic for Glycogen storage disease IXb. Last evaluated: 2025-05-22. Review status: criteria provided, single submitter. Criteria: Invitae Variant Classification Sherloc (09022015). Collection method: clinical testing. Allele origin: germline.
Comment: This sequence change creates a premature translational stop signal (p.Arg944*) in the PHKB gene. It is expected to result in an absent or disrupted protein product. Loss-of-function variants in PHKB are known to be pathogenic (PMID: 9215682, 9326319). This variant is present in population databases (no rsID available, gnomAD 0.0009%). This variant has not been reported in the literature in individuals affected with PHKB-related conditions. ClinVar contains an entry for this variant (Variation ID: 3606790). For these reasons, this variant has been classified as Pathogenic.

Blueprint Genetics
Classification: Likely pathogenic for PHKB-related disorders. Last evaluated: 2017-07-05. Review status: criteria provided, single submitter. Criteria: ACMG Guidelines, 2015. Collection method: clinical testing. Allele origin: germline. Affected: yes. Observed: 1 variant allele.

Literature cited by the submitters: PubMed 9215682 (cited by Labcorp Genetics (formerly Invitae), Labcorp); PubMed 9326319 (cited by Labcorp Genetics (formerly Invitae), Labcorp).